The following is an entry in ClinVar:

ClinVar aggregate classification (germline): Uncertain significance (1 of 4 stars; one submission).

Submission:

Labcorp Genetics (formerly Invitae), Labcorp
Classification: Uncertain significance. Last evaluated: 2023-11-10. Review status: criteria provided, single submitter. Criteria: Invitae Variant Classification Sherloc (09022015). Collection method: clinical testing. Allele origin: germline.
Comment: This sequence change replaces asparagine, which is neutral and polar, with aspartic acid, which is acidic and polar, at codon 2427 of the DCHS1 protein (p.Asn2427Asp). This variant is not present in population databases (gnomAD no frequency). This variant has not been reported in the literature in individuals affected with DCHS1-related conditions. Advanced modeling of protein sequence and biophysical properties (such as structural, functional, and spatial information, amino acid conservation, physicochemical variation, residue mobility, and thermodynamic stability) performed at Invitae indicates that this missense variant is not expected to disrupt DCHS1 protein function with a negative predictive value of 95%. In summary, the available evidence is currently insufficient to determine the role of this variant in disease. Therefore, it has been classified as a Variant of Uncertain Significance.

NM_003737.4(DCHS1):c.7279A>G (p.Asn2427Asp)

Gene: DCHS1 (dachsous cadherin-related 1; minus strand). Cytogenetic location: 11p15.4.
Variant type: single nucleotide variant.
Coding change: c.7279A>G on transcript NM_003737.4 (MANE Select); coding-DNA position 7279, A replaced by G.
Protein change: p.Asn2427Asp; replaces asparagine 2427 with aspartic acid.
Molecular consequence: missense variant.
Genome position (GRCh38, 1-based): chr11:6,624,736, T>C on the plus strand (A>G on the coding strand, the complement: DCHS1 is on the minus strand). VCF-style: chr11-6624736-T-C. GRCh37 (hg19) VCF-style: chr11-6645967-T-C.
Other names: short protein forms N2427D.
Identifiers: ClinVar variation 2800337 (VCV002800337.3), dbSNP rs2493813998, ClinGen allele CA379483416.